The following is an entry in ClinVar:

ClinVar aggregate classification (germline): Uncertain significance (1 of 4 stars; one submission).

Allele frequency attached by ClinVar (database versions not stated): TOPMed below 0.00001; ExAC 0.00001.
gnomAD v4.1: 2 of 1,614,018 alleles (0.00012%); highest among the groups gnomAD compares: Non-Finnish European, 0.00017%; no homozygotes.

Submission:

Labcorp Genetics (formerly Invitae), Labcorp
Classification: Uncertain significance. Last evaluated: 2022-08-19. Review status: criteria provided, single submitter. Criteria: Invitae Variant Classification Sherloc (09022015). Collection method: clinical testing. Allele origin: germline.
Comment: This sequence change replaces glutamine, which is neutral and polar, with leucine, which is neutral and non-polar, at codon 316 of the MTTP protein (p.Gln316Leu). In summary, the available evidence is currently insufficient to determine the role of this variant in disease. Therefore, it has been classified as a Variant of Uncertain Significance. Algorithms developed to predict the effect of missense changes on protein structure and function output the following: SIFT: "Tolerated"; PolyPhen-2: "Benign"; Align-GVGD: "Class C15". The leucine amino acid residue is found in multiple mammalian species, which suggests that this missense change does not adversely affect protein function. This variant has not been reported in the literature in individuals affected with MTTP-related conditions. This variant is present in population databases (rs754576661, gnomAD 0.0009%).

NM_001386140.1(MTTP):c.947A>T (p.Gln316Leu)

Gene: MTTP (microsomal triglyceride transfer protein; plus strand). Cytogenetic location: 4q23.
Variant type: single nucleotide variant.
Coding change: c.947A>T on transcript NM_001386140.1 (MANE Select); coding-DNA position 947, A replaced by T.
Protein change: p.Gln316Leu; replaces glutamine 316 with leucine.
Molecular consequence: missense variant.
Genome position (GRCh38, 1-based): chr4:99,597,104, A>T. VCF-style: chr4-99597104-A-T. GRCh37 (hg19) VCF-style: chr4-100518261-A-T.
Other names: c.947A>T, p.Gln316Leu (NM_000253.4); c.698A>T, p.Gln233Leu (NM_001300785.2); short protein forms Q233L, Q316L.
Identifiers: ClinVar variation 2110584 (VCV002110584.4), dbSNP rs754576661, ClinGen allele CA3021996.